The following is an entry in ClinVar:

ClinVar aggregate classification (germline): Uncertain significance (1 of 4 stars; one submission).

gnomAD v4.1: 1 of 1,612,290 alleles (0.000062%); highest among the groups gnomAD compares: Non-Finnish European, 0.000085%; no homozygotes.

Submission:

GeneDx
Classification: Uncertain significance. Last evaluated: 2023-04-14. Review status: criteria provided, single submitter. Criteria: GeneDx Variant Classification Process June 2021. Collection method: clinical testing. Allele origin: germline. Affected: yes.
Comment: Not observed at significant frequency in large population cohorts (gnomAD); In silico analysis supports that this missense variant has a deleterious effect on protein structure/function; Has not been previously published as pathogenic or benign to our knowledge; This variant is associated with the following publications: (PMID: 25853793)

NM_001105247.2(ARMC5):c.2333T>C (p.Leu778Pro)

Gene: ARMC5 (armadillo repeat containing 5; plus strand). Cytogenetic location: 16p11.2.
Variant type: single nucleotide variant.
Coding change: c.2333T>C on transcript NM_001105247.2 (MANE Select); coding-DNA position 2333, T replaced by C.
Protein change: p.Leu778Pro; replaces leucine 778 with proline.
Molecular consequence: missense variant. On other transcripts: 3 prime UTR variant (1).
Genome position (GRCh38, 1-based): chr16:31,466,414, T>C. VCF-style: chr16-31466414-T-C. GRCh37 (hg19) VCF-style: chr16-31477735-T-C.
Other names: c.2618T>C, p.Leu873Pro (NM_001288767.2); c.2429T>C, p.Leu810Pro (NM_001301820.1); c.*1213T>C (NM_024742.2); short protein forms L778P, L810P, L873P.
Identifiers: ClinVar variation 3343087 (VCV003343087.1).